The following is an entry in ClinVar:

ClinVar aggregate classification (germline): Uncertain significance (1 of 4 stars; one submission).

Submission:

Ambry Genetics
Classification: Uncertain significance. Last evaluated: 2022-05-26. Review status: criteria provided, single submitter. Criteria: Ambry Variant Classification Scheme 2023. Collection method: clinical testing. Allele origin: germline.
Comment: The p.S1488R variant (also known as c.4464T>G), located in coding exon 16 of the POLQ gene, results from a T to G substitution at nucleotide position 4464. The serine at codon 1488 is replaced by arginine, an amino acid with dissimilar properties. This amino acid position is conserved. In addition, this alteration is predicted to be tolerated by in silico analysis. Since supporting evidence is limited at this time, the clinical significance of this alteration remains unclear.

NM_199420.4(POLQ):c.4464T>G (p.Ser1488Arg)

Gene: POLQ (DNA polymerase theta; minus strand). Cytogenetic location: 3q13.33.
Variant type: single nucleotide variant.
Coding change: c.4464T>G on transcript NM_199420.4 (MANE Select); coding-DNA position 4464, T replaced by G.
Protein change: p.Ser1488Arg; replaces serine 1488 with arginine.
Molecular consequence: missense variant.
Genome position (GRCh38, 1-based): chr3:121,488,467, A>C on the plus strand (T>G on the coding strand, the complement: POLQ is on the minus strand). VCF-style: chr3-121488467-A-C. GRCh37 (hg19) VCF-style: chr3-121207314-A-C.
Other names: short protein forms S1488R.
Identifiers: ClinVar variation 1740788 (VCV001740788.2), dbSNP rs2546785883, ClinGen allele CA354095055.